The following is an entry in ClinVar:

NM_024656.4(COLGALT1):c.518A>G (p.Asn173Ser)

Gene: COLGALT1 (collagen beta(1-O)galactosyltransferase 1; plus strand). Cytogenetic location: 19p13.11.
Variant type: single nucleotide variant.
Coding change: c.518A>G on transcript NM_024656.4 (MANE Select); coding-DNA position 518, A replaced by G.
Protein change: p.Asn173Ser; replaces asparagine 173 with serine.
Molecular consequence: missense variant.
Genome position (GRCh38, 1-based): chr19:17,567,434, A>G. VCF-style: chr19-17567434-A-G. GRCh37 (hg19) VCF-style: chr19-17678243-A-G.
Other names: short protein forms N173S.
Identifiers: ClinVar variation 2059245 (VCV002059245.4), dbSNP rs755142919, ClinGen allele CA9296938.
Genomic context (GRCh38, chr19:17,567,434, plus strand): 5'-CCCATGCTGATGCTTTGTGGGGTGTTCTGCAGTTTGTAGATGCGGACAACCTGATCCTCA[A>G]CCCTGACACACTGAGCCTGCTCATCGCTGAGAACAAGACGGTGGTCGCCCCCATGCTGGA-3'
Protein context (NP_078932.2, residues 163-183): LFVDADNLIL[Asn173Ser]PDTLSLLIAE

ClinVar aggregate classification (germline): Uncertain significance (1 of 4 stars; one submission).

Allele frequency attached by ClinVar (database versions not stated): ExAC 0.00002; gnomAD 0.00005; gnomAD exomes 0.00001; TOPMed 0.00005.
gnomAD v4.1: 26 of 1,613,724 alleles (0.0016%); highest among the groups gnomAD compares: African/African-American, 0.011%; no homozygotes.

Submission:

Labcorp Genetics (formerly Invitae), Labcorp
Classification: Uncertain significance. Last evaluated: 2023-07-06. Review status: criteria provided, single submitter. Criteria: Invitae Variant Classification Sherloc (09022015). Collection method: clinical testing. Allele origin: germline.
Comment: ClinVar contains an entry for this variant (Variation ID: 2059245). This sequence change replaces asparagine, which is neutral and polar, with serine, which is neutral and polar, at codon 173 of the COLGALT1 protein (p.Asn173Ser). This variant is present in population databases (rs755142919, gnomAD 0.01%). This variant has not been reported in the literature in individuals affected with COLGALT1-related conditions. Advanced modeling of protein sequence and biophysical properties (such as structural, functional, and spatial information, amino acid conservation, physicochemical variation, residue mobility, and thermodynamic stability) performed at Invitae indicates that this missense variant is expected to disrupt COLGALT1 protein function. In summary, the available evidence is currently insufficient to determine the role of this variant in disease. Therefore, it has been classified as a Variant of Uncertain Significance.